The following is an entry in ClinVar:

ClinVar aggregate classification (germline): Conflicting classifications of pathogenicity. Review status: criteria provided, conflicting classifications (1 of 4 stars). 7 submissions from 7 submitters: Uncertain significance (2); Benign (2); Likely benign (3). Last evaluated 2026-03-27.

Conditions:
Familial hypercholesterolemia. Also called: Familial hypercholesterolemias; Familial hypercholesterolaemia. Identifiers: MedGen C0020445, MONDO:0005439.
Cardiovascular phenotype. Identifiers: MedGen CN230736.
Hypercholesterolemia, autosomal dominant, 3 (FHCL3). Also called: PCSK9-Related Familial Hypercholesterolemia, Autosomal Dominant; Familial Hypercholesterolemia, Autosomal Dominant, 3; Familial hypercholesterolemia 3. Identifiers: MedGen C1863551, MONDO:0011369, OMIM 603776.

Allele frequency attached by ClinVar (database versions not stated): TOPMed 0.00002; gnomAD 0.00004; gnomAD exomes 0.00014; ExAC 0.00024; 1000 Genomes Project 0.00080; 1000 Genomes Project 30x 0.00094.
gnomAD v4.1: 113 of 1,607,308 alleles (0.007%); highest among the groups gnomAD compares: South Asian, 0.11%; 2 homozygotes.

Submissions (7):

Molecular Diagnostic Laboratory for Inherited Cardiovascular Disease, Montreal Heart Institute
Classification: Likely benign. Last evaluated: 2026-03-27. Review status: criteria provided, single submitter. Criteria: ACMG Guidelines, 2015. Collection method: clinical testing. Allele origin: germline. Affected: no.
Comment: BS1;BP4

Labcorp Genetics (formerly Invitae), Labcorp
Classification: Benign for Hypercholesterolemia, autosomal dominant, 3. Last evaluated: 2026-01-17. Review status: criteria provided, single submitter. Criteria: Invitae Variant Classification Sherloc (09022015). Collection method: clinical testing. Allele origin: germline.

CeGaT Center for Human Genetics Tuebingen
Classification: Benign. Last evaluated: 2025-11-01. Review status: criteria provided, single submitter. Criteria: CeGaT Center For Human Genetics Tuebingen Variant Classification Criteria Version 2. Collection method: clinical testing. Allele origin: germline. Affected: yes. Observed: 1 variant allele.
Comment: PCSK9: BP4, BS1, BS2

Color Diagnostics, LLC DBA Color Health
Classification: Likely benign for Familial hypercholesterolemia. Last evaluated: 2024-09-16. Review status: criteria provided, single submitter. Criteria: ACMG Guidelines, 2015. Collection method: clinical testing. Allele origin: germline.

All of Us Research Program, National Institutes of Health
Classification: Uncertain significance for Hypercholesterolemia, autosomal dominant, 3. Last evaluated: 2023-12-13. Review status: criteria provided, single submitter. Criteria: ACMG Guidelines, 2015. Collection method: clinical testing. Allele origin: germline. Inheritance: Autosomal dominant inheritance. Observed: 5 variant alleles, 4 heterozygotes, 1 homozygote.
Comment: This missense variant replaces histidine with glutamine at codon 591 of the PCSK9 protein. Computational prediction suggests that this variant may not impact protein structure and function (internally defined REVEL score threshold <= 0.5, PMID: 27666373). A functional study has shown that the variant causes increased PCSK9 proteolysis (PMID: 29259136). This variant has not been reported in individuals affected with PCSK9-related disorders in the literature. This variant has been identified in 33/234832 chromosomes in the general population by the Genome Aggregation Database (gnomAD). The available evidence is insufficient to determine the role of this variant in disease conclusively. Therefore, this variant is classified as a Variant of Uncertain Significance.

This study involves interpretation of variants in research participants for the purpose of population health screening. Participant phenotype was not available at the time of variant classification. Additional details can be found in publication PMID: 35346344, PMCID: PMC8962531

Ambry Genetics
Classification: Likely benign for Cardiovascular phenotype. Last evaluated: 2021-07-20. Review status: criteria provided, single submitter. Criteria: Ambry Variant Classification Scheme 2023. Collection method: clinical testing. Allele origin: germline.

Centre de Génétique Moléculaire et Chromosomique, Unité de génétique de l'Obésité et des Dyslipidémies, APHP, GH Hôpitaux Universitaires Pitié-Salpêtrière / Charles-Foix
Classification: Uncertain significance for Hypercholesterolemia, autosomal dominant, 3. Last evaluated: 2016-12-16. Review status: criteria provided, single submitter. Criteria: ACMG Guidelines, 2015. Collection method: clinical testing. Allele origin: germline. Affected: yes.

Literature cited by the submitters: PubMed 29259136 (cited by All of Us Research Program, National Institutes of Health and Ambry Genetics); PubMed 30487145 (cited by Ambry Genetics).

NM_174936.4(PCSK9):c.1773C>G (p.His591Gln)

Gene: PCSK9 (proprotein convertase subtilisin/kexin type 9; plus strand). Cytogenetic location: 1p32.3.
Variant type: single nucleotide variant.
Coding change: c.1773C>G on transcript NM_174936.4 (MANE Select); coding-DNA position 1773, C replaced by G.
Protein change: p.His591Gln; replaces histidine 591 with glutamine.
Molecular consequence: missense variant.
Genome position (GRCh38, 1-based): chr1:55,061,466, C>G. VCF-style: chr1-55061466-C-G. GRCh37 (hg19) VCF-style: chr1-55527139-C-G.
Other names: c.1896C>G, p.His632Gln (NM_001407240.1); c.1815C>G, p.His605Gln (NM_001407241.1); c.1776C>G, p.His592Gln (NM_001407242.1); c.1716C>G, p.His572Gln (NM_001407243.1); c.1599C>G, p.His533Gln (NM_001407244.1); c.1581C>G, p.His527Gln (NM_001407245.1); c.1398C>G, p.His466Gln (NM_001407246.1); c.1272C>G, p.His424Gln (NM_001407247.1); short protein forms H591Q, H632Q, H424Q, H533Q, H572Q, H605Q, H527Q, H466Q.
Identifiers: ClinVar variation 375850 (VCV000375850.29), dbSNP rs529912877, ClinGen allele CA038854.